The following is an entry in ClinVar:

NM_000051.4(ATM):c.332-1G>C

Gene: ATM (ATM serine/threonine kinase; plus strand). Cytogenetic location: 11q22.3.
Variant type: single nucleotide variant.
Coding change: c.332-1G>C on transcript NM_000051.4 (MANE Select); the canonical splice acceptor site of the intron before coding-DNA position 332, G replaced by C.
Molecular consequence: splice acceptor variant.
Genome position (GRCh38, 1-based): chr11:108,235,669, G>C. VCF-style: chr11-108235669-G-C. GRCh37 (hg19) VCF-style: chr11-108106396-G-C.
Other names: c.332-1G>C (NM_001351834.2).
Identifiers: ClinVar variation 1730208 (VCV001730208.2), dbSNP rs747855862, ClinGen allele CA382524364.
Genomic context (GRCh38, chr11:108,235,669, plus strand): 5'-TTCCAAGTGTCTTATTTTTGTTCAAATTTATGTTTTTCTTTATTTGTTTATTTTGAAATA[G>C]GAGCACCTAGGCTAAAATGTCAAGAACTCTTAAATTATATCATGGATACAGTGAAAGATT-3'

ClinVar aggregate classification (germline): Likely pathogenic (1 of 4 stars; one submission).

Conditions:
Hereditary cancer-predisposing syndrome. Also called: Neoplastic Syndromes, Hereditary; Tumor predisposition; Hereditary Cancer Syndrome; Hereditary neoplastic syndrome. Identifiers: Orphanet 140162, MedGen C0027672, MeSH D009386, MONDO:0015356.

Submission:

Ambry Genetics
Classification: Likely pathogenic for Hereditary cancer-predisposing syndrome. Last evaluated: 2022-05-26. Review status: criteria provided, single submitter. Criteria: Ambry Variant Classification Scheme 2023. Collection method: clinical testing. Allele origin: germline.
Comment: The c.332-1G>C intronic variant results from a G to C substitution one nucleotide upstream from coding exon 4 of the ATM gene. This variant is considered to be rare based on population cohorts in the Genome Aggregation Database (gnomAD). This nucleotide position is highly conserved in available vertebrate species. In silico splice site analysis predicts that this alteration will weaken the native splice acceptor site. RNA studies have demonstrated that this alteration results in abnormal splicing in the set of samples tested (Ambry internal data). Alterations that disrupt the canonical splice site are expected to cause aberrant splicing, resulting in an abnormal protein or a transcript that is subject to nonsense-mediated mRNA decay. As such, this alteration is classified as likely pathogenic.